The following is an entry in ClinVar:

ClinVar aggregate classification (germline): Uncertain significance. Review status: criteria provided, multiple submitters, no conflicts (2 of 4 stars). 2 submissions from 2 submitters: Uncertain significance (2). Last evaluated 2023-09-06.

Conditions:
BAP1-related tumor predisposition syndrome (TPDS1). Also called: BAP1 tumor predisposition syndrome; COMMON Syndrome; TUMOR PREDISPOSITION SYNDROME 1; Tumor susceptibility linked to germline BAP1 mutations. Identifiers: Orphanet 289539, MedGen C3280492, MONDO:0013692, OMIM 614327.
Hereditary cancer-predisposing syndrome. Also called: Hereditary neoplastic syndrome; Tumor predisposition; Hereditary Cancer Syndrome; Neoplastic Syndromes, Hereditary. Identifiers: Orphanet 140162, MedGen C0027672, MeSH D009386, MONDO:0015356.

Submissions (2):

Ambry Genetics
Classification: Uncertain significance for Hereditary cancer-predisposing syndrome. Last evaluated: 2023-09-06. Review status: criteria provided, single submitter. Criteria: Ambry Variant Classification Scheme 2023. Collection method: clinical testing. Allele origin: germline.
Comment: The p.K38R variant (also known as c.113A>G), located in coding exon 3 of the BAP1 gene, results from an A to G substitution at nucleotide position 113. The lysine at codon 38 is replaced by arginine, an amino acid with highly similar properties. This amino acid position is conserved. In addition, this alteration is predicted to be tolerated by in silico analysis. Since supporting evidence is limited at this time, the clinical significance of this alteration remains unclear.

Labcorp Genetics (formerly Invitae), Labcorp
Classification: Uncertain significance for BAP1-related tumor predisposition syndrome. Last evaluated: 2022-04-19. Review status: criteria provided, single submitter. Criteria: Invitae Variant Classification Sherloc (09022015). Collection method: clinical testing. Allele origin: germline.
Comment: In summary, the available evidence is currently insufficient to determine the role of this variant in disease. Therefore, it has been classified as a Variant of Uncertain Significance. Algorithms developed to predict the effect of missense changes on protein structure and function are either unavailable or do not agree on the potential impact of this missense change (SIFT: "Tolerated"; PolyPhen-2: "Possibly Damaging"; Align-GVGD: "Class C0"). This variant has not been reported in the literature in individuals affected with BAP1-related conditions. This variant is not present in population databases (gnomAD no frequency). This sequence change replaces lysine, which is basic and polar, with arginine, which is basic and polar, at codon 38 of the BAP1 protein (p.Lys38Arg).

NM_004656.4(BAP1):c.113A>G (p.Lys38Arg)

Gene: BAP1 (BRCA1 associated deubiquitinase 1; minus strand). Cytogenetic location: 3p21.1.
Variant type: single nucleotide variant.
Coding change: c.113A>G on transcript NM_004656.4 (MANE Select); coding-DNA position 113, A replaced by G.
Protein change: p.Lys38Arg; replaces lysine 38 with arginine.
Molecular consequence: missense variant.
Genome position (GRCh38, 1-based): chr3:52,409,563, T>C on the plus strand (A>G on the coding strand, the complement: BAP1 is on the minus strand). VCF-style: chr3-52409563-T-C. GRCh37 (hg19) VCF-style: chr3-52443579-T-C.
Other names: c.113A>G, p.Lys38Arg (NM_001410772.1); short protein forms K38R.
Identifiers: ClinVar variation 2127887 (VCV002127887.6), dbSNP rs2153228514, ClinGen allele CA353114522.
Genomic context (GRCh38, chr3:52,409,563, plus strand): 5'-CTTCCCCAGCACTCTGGGTGTAAGGGGCAGCCCTGGTGTACAGCCACTCACCCCTGACAT[T>C]TGCTCTGAAGGTCGTAGATCTCCTCCACTTGCACCCCCTTGACACCTGCGATGAGGAAAG-3'
Protein context (NP_004647.1, residues 28-48): QVEEIYDLQS[Lys38Arg]CQGPVYGFIF